The following is an entry in ClinVar:

NM_004525.3(LRP2):c.2006del (p.Gly669fs)

Gene: LRP2 (LDL receptor related protein 2; minus strand). Cytogenetic location: 2q31.1.
Variant type: Deletion.
Coding change: c.2006del on transcript NM_004525.3 (MANE Select); coding-DNA position 2006, one base deleted (G; older notation c.2006delG).
Protein change: p.Gly669fs; shifts the reading frame from glycine 669.
Molecular consequence: frameshift variant.
Genome position (GRCh38, 1-based): chr2:169,273,037, C deleted on the plus strand (G on the coding strand, the reverse complement: LRP2 is on the minus strand); the first of 5 consecutive C bases (chr2:169,273,037-169,273,041); deleting any one gives the same sequence. VCF-style (leftmost placement, unchanged base first): chr2-169273036-GC-G. GRCh37 (hg19) VCF-style: chr2-170129546-GC-G.
Other names: short protein forms G669fs.
Identifiers: ClinVar variation 1722403 (VCV001722403.1), dbSNP rs2528491247, ClinGen allele CA2580064456.
Genomic context (GRCh38, chr2:169,273,036, plus strand): 5'-GCAACGGAAACCCAAACCATCATTATCTGTTCTGTGGCTGAGGACACAGACCTGCTCACA[GC>G]CCCCATTGTTATCTTTACACGGATTGGTAGCTGGAAGGAAAAATGCACAGGGTTAAATTG-3'

ClinVar aggregate classification (germline): Likely pathogenic (1 of 4 stars; one submission).

Conditions:
Donnai-Barrow syndrome. Also called: DBS/FOAR SYNDROME; FACIOOCULOACOUSTICORENAL SYNDROME. Identifiers: Orphanet 2143, MedGen C1857277, MONDO:0009104, OMIM 222448.

Submission:

Women's Health and Genetics/Laboratory Corporation of America, LabCorp
Classification: Likely pathogenic for Donnai-Barrow syndrome. Last evaluated: 2022-09-07. Review status: criteria provided, single submitter. Criteria: LabCorp Variant Classification Summary - May 2015. Collection method: clinical testing. Allele origin: germline.
Comment: Variant summary: LRP2 c.2006delG (p.Gly669AlafsX96) results in a premature termination codon, predicted to cause a truncation of the encoded protein or absence of the protein due to nonsense mediated decay, which are commonly known mechanisms for disease. Truncations downstream of this position have been classified as pathogenic by our laboratory. The variant was absent in 250820 control chromosomes (gnomAD). To our knowledge, no occurrence of c.2006delG in individuals affected with Donnai Barrow Syndrome and no experimental evidence demonstrating its impact on protein function have been reported. No clinical diagnostic laboratories have submitted clinical-significance assessments for this variant to ClinVar after 2014. Based on the evidence outlined above, the variant was classified as likely pathogenic.